The following is an entry in ClinVar:

NM_000274.4(OAT):c.124G>A (p.Asp42Asn)

Gene: OAT (ornithine aminotransferase; minus strand). Cytogenetic location: 10q26.13.
Variant type: single nucleotide variant.
Coding change: c.124G>A on transcript NM_000274.4 (MANE Select); coding-DNA position 124, G replaced by A.
Protein change: p.Asp42Asn; replaces aspartic acid 42 with asparagine.
Molecular consequence: missense variant. On other transcripts: intron variant (2).
Genome position (GRCh38, 1-based): chr10:124,412,048, C>T on the plus strand (G>A on the coding strand, the complement: OAT is on the minus strand). VCF-style: chr10-124412048-C-T. GRCh37 (hg19) VCF-style: chr10-126100617-C-T.
Other names: c.124G>A, p.Asp42Asn (NM_001322965.2, NM_001322966.2, NM_001322967.2 and 4 more transcripts); c.-215-3083G>A (NM_001171814.2); c.-515-3083G>A (NM_001322974.2); short protein forms D42N.
Identifiers: ClinVar variation 1462635 (VCV001462635.6), dbSNP rs2134490858, ClinGen allele CA378638146.

ClinVar aggregate classification (germline): Uncertain significance (1 of 4 stars; one submission).

Conditions:
Ornithine aminotransferase deficiency (GACR). Also called: HYPERORNITHINEMIA WITH GYRATE ATROPHY OF CHOROID AND RETINA; OAT DEFICIENCY; OKT DEFICIENCY; Ornithine ketoacid aminotransferase deficiency; Gyrate atrophy; Gyrate atrophy of choroid and retina. Identifiers: Orphanet 414, MedGen C0018425, MONDO:0009796, OMIM 258870.

Submission:

Labcorp Genetics (formerly Invitae), Labcorp
Classification: Uncertain significance for Ornithine aminotransferase deficiency. Last evaluated: 2024-09-06. Review status: criteria provided, single submitter. Criteria: Invitae Variant Classification Sherloc (09022015). Collection method: clinical testing. Allele origin: germline.
Comment: This sequence change replaces aspartic acid, which is acidic and polar, with asparagine, which is neutral and polar, at codon 42 of the OAT protein (p.Asp42Asn). This variant is not present in population databases (gnomAD no frequency). This variant has not been reported in the literature in individuals affected with OAT-related conditions. ClinVar contains an entry for this variant (Variation ID: 1462635). An algorithm developed to predict the effect of missense changes on protein structure and function (PolyPhen-2) suggests that this variant is likely to be tolerated. In summary, the available evidence is currently insufficient to determine the role of this variant in disease. Therefore, it has been classified as a Variant of Uncertain Significance.